The following is an entry in ClinVar:

ClinVar aggregate classification (germline): Conflicting classifications of pathogenicity. Review status: criteria provided, conflicting classifications (1 of 4 stars). 5 submissions from 5 submitters: Likely pathogenic (1); Uncertain significance (2). 2 of the submissions do not count toward it. Last evaluated 2026-08-13.

Conditions:
Hereditary factor XI deficiency disease. Also called: Congenital factor XI deficiency; PLASMA THROMBOPLASTIN ANTECEDENT DEFICIENCY; PTA DEFICIENCY; ROSENTHAL SYNDROME. Identifiers: Orphanet 329, MedGen C0015523, MeSH D005173, MONDO:0012897, OMIM 612416.
Inborn genetic diseases. Identifiers: MedGen C0950123, MeSH D030342.
Plasma factor XI deficiency.

Allele frequency attached by ClinVar (database versions not stated): TOPMed below 0.00001; gnomAD 0.00001; gnomAD exomes 0.00001 and 0.00004; ExAC 0.00002.
gnomAD v4.1: 19 of 1,614,048 alleles (0.0012%); highest among the groups gnomAD compares: Admixed American, 0.015%; no homozygotes.

Submissions (5):

Ambry Genetics
Classification: Uncertain significance for Inborn genetic diseases. Last evaluated: 2026-08-13. Review status: criteria provided, single submitter. Criteria: Ambry Variant Classification Scheme 2023. Collection method: clinical testing. Allele origin: germline.
Comment: The c.484C>T (p.R162C) alteration is located in exon 5 (coding exon 4) of the F11 gene. This alteration results from a C to T substitution at nucleotide position 484, causing the arginine (R) at amino acid position 162 to be replaced by a cysteine (C). Based on data from gnomAD, the T allele has an overall frequency of 0.004% (10/251330) total alleles studied. The highest observed frequency was 0.02% (7/34584) of Latino alleles. This amino acid position is highly conserved in available vertebrate species. This alteration is predicted to be deleterious by in silico analysis. Based on insufficient or conflicting evidence, the clinical significance of this alteration remains unclear.

GeneDx
Classification: Uncertain significance. Last evaluated: 2025-09-30. Review status: criteria provided, single submitter. Criteria: GeneDx Variant Classification Process June 2021. Collection method: clinical testing. Allele origin: germline. Affected: yes.
Comment: In silico analysis supports that this missense variant has a deleterious effect on protein structure/function; Also known as p.(R144C); This variant is associated with the following publications: (PMID: 35059554, 41009375, 19652879, 37647632)

Mayo Clinic Laboratories, Mayo Clinic
Classification: Likely pathogenic. Last evaluated: 2025-04-09. Review status: criteria provided, single submitter. Criteria: ACMG Guidelines, 2015. Collection method: clinical testing. Allele origin: germline. Observed: 1 variant allele.
Comment: PP3_moderate, PP4, PM2_supporting, PM3

Natera, Inc.
Classification: Uncertain significance for Plasma factor XI deficiency. Last evaluated: 2020-08-30. Review status: no assertion criteria provided. Collection method: clinical testing. Allele origin: germline. Not counted in ClinVar's aggregate classification.

Counsyl
Classification: Uncertain significance for Hereditary factor XI deficiency disease. Last evaluated: 2017-07-31. Review status: no assertion criteria provided. Collection method: clinical testing. Allele origin: unknown. Not counted in ClinVar's aggregate classification.

Literature cited by the submitters: PubMed 15870541 (cited by Mayo Clinic Laboratories, Mayo Clinic); PubMed 19652879 (cited by Mayo Clinic Laboratories, Mayo Clinic and Counsyl); PubMed 29138690 (cited by Mayo Clinic Laboratories, Mayo Clinic); PubMed 32166871 (cited by Mayo Clinic Laboratories, Mayo Clinic).

NM_000128.4(F11):c.484C>T (p.Arg162Cys)

Gene: F11 (coagulation factor XI; plus strand). Cytogenetic location: 4q35.2.
Variant type: single nucleotide variant.
Coding change: c.484C>T on transcript NM_000128.4 (MANE Select); coding-DNA position 484, C replaced by T.
Protein change: p.Arg162Cys; replaces arginine 162 with cysteine.
Molecular consequence: missense variant.
Genome position (GRCh38, 1-based): chr4:186,274,274, C>T. VCF-style: chr4-186274274-C-T. GRCh37 (hg19) VCF-style: chr4-187195428-C-T.
Other names: p.Arg162Cys; c.484C>T, p.Arg162Trp (NM_001354804.2); short protein forms R162C, R162W.
Identifiers: ClinVar variation 429591 (VCV000429591.7), dbSNP rs748139184, ClinGen allele CA3163667.